The following is an entry in ClinVar:

NM_007294.4(BRCA1):c.5193+8C>G

Gene: BRCA1 (BRCA1 DNA repair associated; minus strand). Cytogenetic location: 17q21.31.
Variant type: single nucleotide variant.
Coding change: c.5193+8C>G on transcript NM_007294.4 (MANE Select); 8 bases into the intron after coding-DNA position 5193, C replaced by G.
Molecular consequence: intron variant.
Genome position (GRCh38, 1-based): chr17:43,063,325, G>C on the plus strand (C>G on the coding strand, the complement: BRCA1 is on the minus strand). VCF-style: chr17-43063325-G-C. GRCh37 (hg19) VCF-style: chr17-41215342-G-C.
Other names: c.1740+8C>G (NM_001408458.1, NM_001408461.1, NM_001408464.1 and 7 more transcripts); c.4302+8C>G (NM_001407967.1); c.4812+8C>G (NM_001407959.1); c.4926+8C>G (NM_001407931.1, NM_001407932.1, NM_001407928.1 and 4 more transcripts); c.5049+8C>G (NM_001407747.1, NM_001407745.1, NM_001407737.1 and 21 more transcripts); c.4809+8C>G (NM_001407962.1, NM_001407960.1); c.1380+8C>G (NM_001408512.1); c.1503+8C>G (NM_001408510.1); and 72 more.
Identifiers: ClinVar variation 867467 (VCV000867467.11), dbSNP rs1597818731, ClinGen allele CA916080027.

ClinVar aggregate classification (germline): Likely benign (1 of 4 stars; one submission).

Conditions:
Hereditary breast ovarian cancer syndrome. Also called: Hereditary breast and/or ovarian cancer syndrome; BRCA1- and BRCA2-Associated Hereditary Breast and Ovarian Cancer; Hereditary breast and ovarian cancer syndrome; Hereditary breast and ovarian cancer; Hereditary breast and ovarian cancer syndrome (HBOC); Breast and ovarian cancer. Identifiers: Orphanet 145, MedGen C0677776, MeSH D061325, MONDO:0003582. Disease mechanism: loss of function.

Submissions (2):

Labcorp Genetics (formerly Invitae), Labcorp
Classification: Likely benign for Hereditary breast ovarian cancer syndrome. Last evaluated: 2021-10-22. Review status: criteria provided, single submitter. Criteria: Invitae Variant Classification Sherloc (09022015). Collection method: clinical testing. Allele origin: germline.

Brotman Baty Institute, University of Washington
No classification provided (evidence only). Condition: Breast-ovarian cancer, familial 1. Review status: no classification provided. Collection method: in vitro. Allele origin: not applicable. Functional consequence: functionally_normal. Not counted in ClinVar's aggregate classification.
ClinVar note: "not provided" was previously submitted as the classification for the variant. However, the classification appeared to be based only on an observation of functional data so it was converted to no classification on 2025-07-30.